The following is an entry in ClinVar:

ClinVar aggregate classification (germline): Uncertain significance. Review status: criteria provided, multiple submitters, no conflicts (2 of 4 stars). 2 submissions from 2 submitters: Uncertain significance (2). Last evaluated 2026-02-09.

Conditions:
Neurodevelopmental disorder with speech impairment and with or without seizures. Also called: Neurodevelopmental disorder with variable intellectual disability and speech impairment, with or without seizures. Identifiers: MedGen C5774252, MONDO:0859313, OMIM 620114.

gnomAD v4.1: 14 of 1,587,764 alleles (0.00088%); highest among the groups gnomAD compares: African/African-American, 0.0013%; no homozygotes.

Submissions (2):

Dasa
Classification: Uncertain significance. Last evaluated: 2026-02-09. Review status: criteria provided, single submitter. Criteria: DASA Assertion Criteria. Collection method: clinical testing. Allele origin: germline.
Comment: NM_021096.4(CACNA1I):c.2390C>T (p.Thr797Met) is a missense variant that results in the substitution of threonine with methionine. This variant is rare in population databases. Computational prediction algorithms are consistent with a deleterious effect. The currently available literature and clinical evidence are not sufficient to establish a definitive association between this variant and the reported condition. Therefore, this variant is classified as a variant of uncertain significance.

Laboratorio de Genetica e Diagnostico Molecular, Hospital Israelita Albert Einstein
Classification: Uncertain significance for Neurodevelopmental disorder with speech impairment and with or without seizures. Last evaluated: 2025-08-18. Review status: criteria provided, single submitter. Criteria: ACMG Guidelines, 2015. Collection method: clinical testing. Allele origin: germline. Affected: yes.
Comment: ACMG classification criteria: PM2 supporting, PP2 supporting, PP3 supporting

NM_021096.4(CACNA1I):c.2390C>T (p.Thr797Met)

Gene: CACNA1I (calcium voltage-gated channel subunit alpha1 I; plus strand). Cytogenetic location: 22q13.1.
Variant type: single nucleotide variant.
Coding change: c.2390C>T on transcript NM_021096.4 (MANE Select); coding-DNA position 2390, C replaced by T.
Protein change: p.Thr797Met; replaces threonine 797 with methionine.
Molecular consequence: missense variant.
Genome position (GRCh38, 1-based): chr22:39,659,492, C>T. VCF-style: chr22-39659492-C-T. GRCh37 (hg19) VCF-style: chr22-40055497-C-T.
Other names: c.2285C>T, p.Thr762Met (NM_001003406.2); short protein forms T762M, T797M.
Identifiers: ClinVar variation 4846976 (VCV004846976.3).